The following is an entry in ClinVar:

NM_000528.4(MAN2B1):c.2285C>T (p.Thr762Ile)

Gene: MAN2B1 (mannosidase alpha class 2B member 1; minus strand). Cytogenetic location: 19p13.13.
Variant type: single nucleotide variant.
Coding change: c.2285C>T on transcript NM_000528.4 (MANE Select); coding-DNA position 2285, C replaced by T.
Protein change: p.Thr762Ile; replaces threonine 762 with isoleucine.
Molecular consequence: missense variant.
Genome position (GRCh38, 1-based): chr19:12,649,411, G>A on the plus strand (C>T on the coding strand, the complement: MAN2B1 is on the minus strand). VCF-style: chr19-12649411-G-A. GRCh37 (hg19) VCF-style: chr19-12760225-G-A.
Other names: c.2282C>T, p.Thr761Ile (NM_001173498.2); short protein forms T762I, T761I.
Identifiers: ClinVar variation 2082327 (VCV002082327.4), dbSNP rs756728834, ClinGen allele CA404241754.

ClinVar aggregate classification (germline): Uncertain significance (1 of 4 stars; one submission).

Conditions:
Deficiency of alpha-mannosidase (MANSA). Also called: Mannosidosis, alpha-, types I and II; Alpha-Mannosidosis; LYSOSOMAL ALPHA-D-MANNOSIDASE DEFICIENCY. Identifiers: Orphanet 61, MedGen C0024748, MONDO:0009561, OMIM 248500.

Submission:

Labcorp Genetics (formerly Invitae), Labcorp
Classification: Uncertain significance for Deficiency of alpha-mannosidase. Last evaluated: 2022-01-13. Review status: criteria provided, single submitter. Criteria: Invitae Variant Classification Sherloc (09022015). Collection method: clinical testing. Allele origin: germline.
Comment: This sequence change replaces threonine, which is neutral and polar, with isoleucine, which is neutral and non-polar, at codon 762 of the MAN2B1 protein (p.Thr762Ile). This variant is not present in population databases (gnomAD no frequency). This variant has not been reported in the literature in individuals affected with MAN2B1-related conditions. Algorithms developed to predict the effect of missense changes on protein structure and function are either unavailable or do not agree on the potential impact of this missense change (SIFT: "Deleterious"; PolyPhen-2: "Probably Damaging"; Align-GVGD: "Class C0"). In summary, the available evidence is currently insufficient to determine the role of this variant in disease. Therefore, it has been classified as a Variant of Uncertain Significance.